The following is an entry in ClinVar:

NM_002185.5(IL7R):c.*917G>A

Gene: IL7R (interleukin 7 receptor; plus strand). Cytogenetic location: 5p13.2.
Variant type: single nucleotide variant.
Coding change: c.*917G>A on transcript NM_002185.5 (MANE Select); 917 bases downstream of the stop codon, G replaced by A.
Molecular consequence: 3 prime UTR variant. On other transcripts: non-coding transcript variant (1).
Genome position (GRCh38, 1-based): chr5:35,877,403, G>A. VCF-style: chr5-35877403-G-A. GRCh37 (hg19) VCF-style: chr5-35877505-G-A.
Identifiers: ClinVar variation 353284 (VCV000353284.6), dbSNP rs10063294, ClinGen allele CA10620295.
Genomic context (GRCh38, chr5:35,877,403, plus strand): 5'-CATGACCAGCCATGTCAAAAGAAGGTAAAGAAGTCAAGAAAAAGCCATGAAGCCCATTTG[G>A]TTTCATTTTTCTGAAAATAGGCTCAAGAGGGAATAAATTAGAAACTCACAATTTCTCTTG-3'

ClinVar aggregate classification (germline): Benign. Review status: criteria provided, multiple submitters, no conflicts (2 of 4 stars). 2 submissions from 2 submitters: Benign (2). Last evaluated 2018-01-13.

Conditions:
Immunodeficiency 104. Also called: SCID, AUTOSOMAL RECESSIVE, T CELL-NEGATIVE, B CELL-POSITIVE, NK CELL-POSITIVE; Severe Combined Immune Deficiency, Autosomal Recessive, TCell -Negative, B Cell-Positive, NK Cell-Positive, IL7R-Related; Severe combined immunodeficiency, autosomal recessive, T cell-negative, B cell-positive, NK cell-positive; IMMUNODEFICIENCY 104, SEVERE COMBINED. Identifiers: MedGen C5676890, MONDO:0012163, OMIM 608971.

Allele frequency attached by ClinVar (database versions not stated): gnomAD exomes 0.49935; 1000 Genomes Project 0.52117; 1000 Genomes Project 30x 0.52889; TOPMed 0.56872; gnomAD 0.57784 and 0.58961.

Submissions (2):

Illumina Laboratory Services, Illumina
Classification: Benign for Immunodeficiency 104. Last evaluated: 2018-01-13. Review status: criteria provided, single submitter. Criteria: ICSL Variant Classification Criteria 13 December 2019. Collection method: clinical testing. Allele origin: germline.
Comment: This variant was observed in the ICSL laboratory as part of a predisposition screen in an ostensibly healthy population. It had not been previously curated by ICSL or reported in the Human Gene Mutation Database (HGMD: prior to June 1st, 2018), and was therefore a candidate for classification through an automated scoring system. Utilizing variant allele frequency, disease prevalence and penetrance estimates, and inheritance mode, an automated score was calculated to assess if this variant is too frequent to cause the disease. Based on the score and internal cut-off values, a variant classified as benign is not then subjected to further curation. The score for this variant resulted in a classification of benign for this disease.

Breakthrough Genomics
Classification: Benign. Review status: criteria provided, single submitter. Criteria: ACMG Guidelines, 2015. Collection method: not provided. Allele origin: germline. Inheritance: Autosomal recessive inheritance. Affected: yes.